The following is an entry in ClinVar:

NM_000264.5(PTCH1):c.2634C>G (p.Asp878Glu)

Gene: PTCH1 (patched 1; minus strand). Cytogenetic location: 9q22.32.
Variant type: single nucleotide variant.
Coding change: c.2634C>G on transcript NM_000264.5 (MANE Select); coding-DNA position 2634, C replaced by G.
Protein change: p.Asp878Glu; replaces aspartic acid 878 with glutamic acid.
Molecular consequence: missense variant. On other transcripts: non-coding transcript variant (1).
Genome position (GRCh38, 1-based): chr9:95,461,925, G>C on the plus strand (C>G on the coding strand, the complement: PTCH1 is on the minus strand). VCF-style: chr9-95461925-G-C. GRCh37 (hg19) VCF-style: chr9-98224207-G-C.
Other names: c.2436C>G, p.Asp812Glu (NM_001083602.3); c.2631C>G, p.Asp877Glu (NM_001083603.3); c.2181C>G, p.Asp727Glu (NM_001083604.3, NM_001083605.3, NM_001083606.3 and 1 more transcripts); c.2478C>G, p.Asp826Glu (NM_001354918.2); short protein forms D878E, D812E, D877E, D727E, D826E.
Identifiers: ClinVar variation 938463 (VCV000938463.1), dbSNP rs771732591, ClinGen allele CA374113423.

ClinVar aggregate classification (germline): Uncertain significance (1 of 4 stars; one submission).

Conditions:
Gorlin syndrome. Also called: Nevoid Basal Cell Carcinoma Syndrome; Basal cell nevus syndrome. Identifiers: Orphanet 377, MedGen C0004779, MONDO:0007187.

Submission:

Labcorp Genetics (formerly Invitae), Labcorp
Classification: Uncertain significance for Gorlin syndrome. Last evaluated: 2019-07-11. Review status: criteria provided, single submitter. Criteria: Invitae Variant Classification Sherloc (09022015). Collection method: clinical testing. Allele origin: germline.
Comment: This sequence change replaces aspartic acid with glutamic acid at codon 878 of the PTCH1 protein (p.Asp878Glu). The aspartic acid residue is moderately conserved and there is a small physicochemical difference between aspartic acid and glutamic acid. This variant is not present in population databases (ExAC no frequency). This variant has not been reported in the literature in individuals with PTCH1-related conditions. Algorithms developed to predict the effect of missense changes on protein structure and function (SIFT, PolyPhen-2, Align-GVGD) all suggest that this variant is likely to be tolerated, but these predictions have not been confirmed by published functional studies and their clinical significance is uncertain. In summary, the available evidence is currently insufficient to determine the role of this variant in disease. Therefore, it has been classified as a Variant of Uncertain Significance.